The following is an entry in ClinVar:

NM_145261.4(DNAJC19):c.62dup (p.Tyr21Ter)

Gene: DNAJC19 (DnaJ heat shock protein family (Hsp40) member C19; minus strand). Cytogenetic location: 3q26.33.
Variant type: Duplication.
Coding change: c.62dup on transcript NM_145261.4 (MANE Select); coding-DNA position 62, one base duplicated (A; older notation c.62dupA).
Protein change: p.Tyr21Ter; replaces tyrosine 21 with a stop codon.
Molecular consequence: nonsense. On other transcripts: 5 prime UTR variant (1), non-coding transcript variant (3).
Genome position (GRCh38, 1-based): chr3:180,988,090, T duplicated on the plus strand (A on the coding strand, the reverse complement: DNAJC19 is on the minus strand). VCF-style (leftmost placement, unchanged base first): chr3-180988089-G-GT. GRCh37 (hg19) VCF-style: chr3-180705877-G-GT.
Other names: c.62dupA (NM_145261.4); c.-14dup (NM_001190233.2); short protein forms Y21*.
Identifiers: ClinVar variation 1299515 (VCV001299515.6), dbSNP rs1560040369, ClinGen allele CA548509220.
Genomic context (GRCh38, chr3:180,988,089, plus strand): 5'-TGGTAGGCTTTGAAAAACTTGTTTTACTTGAGGCTCCATATGCTTCATGGCTTGCAAAAC[G>GT]TAACGGCCTAAAACCAAAAGCAACAGAATAAGTAAACTAAATCTCCAATCTCCCCGACTT-3'

ClinVar aggregate classification (germline): Pathogenic. Review status: criteria provided, multiple submitters, no conflicts (2 of 4 stars). 2 submissions from 2 submitters: Pathogenic (2). Last evaluated 2025-09-23.

Conditions:
3-methylglutaconic aciduria type 5. Also called: CARDIOMYOPATHY, DILATED, WITH ATAXIA; 3 alpha methylglutaconic aciduria type V; MGA 5; MGA, TYPE V. Identifiers: Orphanet 66634, MedGen C1857776, MONDO:0012435, OMIM 610198.

Allele frequency attached by ClinVar (database versions not stated): gnomAD 0.00001; gnomAD exomes 0.00001.

Submissions (2):

Labcorp Genetics (formerly Invitae), Labcorp
Classification: Pathogenic for 3-methylglutaconic aciduria type 5. Last evaluated: 2025-09-23. Review status: criteria provided, single submitter. Criteria: Invitae Variant Classification Sherloc (09022015). Collection method: clinical testing. Allele origin: germline.
Comment: This sequence change creates a premature translational stop signal (p.Tyr21*) in the DNAJC19 gene. It is expected to result in an absent or disrupted protein product. Loss-of-function variants in DNAJC19 are known to be pathogenic (PMID: 16055927, 27928778). This variant is present in population databases (no rsID available, gnomAD 0.002%). This premature translational stop signal has been observed in individual(s) with dilated cardiomyopathy with ataxia (PMID: 27928778). ClinVar contains an entry for this variant (Variation ID: 1299515). For these reasons, this variant has been classified as Pathogenic.

Laboratory of Medical Genetics, National & Kapodistrian University of Athens
Classification: Pathogenic for 3-methylglutaconic aciduria type 5. Last evaluated: 2021-10-01. Review status: criteria provided, single submitter. Criteria: ACMG Guidelines, 2015. Collection method: clinical testing. Allele origin: unknown. Affected: yes.
Comment: PVS1, PM2, PP3

Literature cited by the submitters: PubMed 16055927 (cited by Labcorp Genetics (formerly Invitae), Labcorp); PubMed 27928778 (cited by Labcorp Genetics (formerly Invitae), Labcorp); PubMed 34008892 (cited by Laboratory of Medical Genetics, National & Kapodistrian University of Athens).